The following is an entry in ClinVar:

NM_000384.3(APOB):c.9698A>G (p.Tyr3233Cys)

Gene: APOB (apolipoprotein B; minus strand). Cytogenetic location: 2p24.1.
Variant type: single nucleotide variant.
Coding change: c.9698A>G on transcript NM_000384.3 (MANE Select); coding-DNA position 9698, A replaced by G.
Protein change: p.Tyr3233Cys; replaces tyrosine 3233 with cysteine.
Molecular consequence: missense variant.
Genome position (GRCh38, 1-based): chr2:21,007,170, T>C on the plus strand (A>G on the coding strand, the complement: APOB is on the minus strand). VCF-style: chr2-21007170-T-C. GRCh37 (hg19) VCF-style: chr2-21230042-T-C.
Other names: short protein forms Y3233C.
Identifiers: ClinVar variation 5027439 (VCV005027439.1).

ClinVar aggregate classification (germline): Uncertain significance (1 of 4 stars; one submission).

Conditions:
Cardiovascular phenotype. Identifiers: MedGen CN230736.

gnomAD v4.1: 2 of 1,613,972 alleles (0.00012%); highest among the groups gnomAD compares: Admixed American, 0.0033%; no homozygotes.

Submission:

Ambry Genetics
Classification: Uncertain significance for Cardiovascular phenotype. Last evaluated: 2026-07-02. Review status: criteria provided, single submitter. Criteria: Ambry Variant Classification Scheme 2023. Collection method: clinical testing. Allele origin: germline.
Comment: The p.Y3233C variant (also known as c.9698A>G), located in coding exon 26 of the APOB gene, results from an A to G substitution at nucleotide position 9698. The tyrosine at codon 3233 is replaced by cysteine, an amino acid with highly dissimilar properties. This amino acid position is conserved. In addition, this alteration is predicted to be tolerated by in silico analysis. Based on the available evidence, the clinical significance of this variant remains unclear.